The following is an entry in ClinVar:

NM_002224.4(ITPR3):c.3990C>T (p.Asp1330=)

Gene: ITPR3 (inositol 1,4,5-trisphosphate receptor type 3; plus strand). Cytogenetic location: 6p21.31.
Variant type: single nucleotide variant.
Coding change: c.3990C>T on transcript NM_002224.4 (MANE Select); coding-DNA position 3990, C replaced by T.
Protein change: p.Asp1330=; no amino-acid change (aspartic acid 1330 retained).
Molecular consequence: synonymous variant.
Genome position (GRCh38, 1-based): chr6:33,679,899, C>T. VCF-style: chr6-33679899-C-T. GRCh37 (hg19) VCF-style: chr6-33647676-C-T.
Identifiers: ClinVar variation 768081 (VCV000768081.6), dbSNP rs9469553, ClinGen allele CA3761107.

ClinVar aggregate classification (germline): Benign. Review status: criteria provided, single submitter (1 of 4 stars). 2 submissions from 2 submitters: Benign (1). 1 of the submissions does not count toward it. Last evaluated 2019-12-31.

Conditions:
ITPR3-related disorder. Also called: ITPR3-related condition.

Allele frequency attached by ClinVar (database versions not stated): gnomAD exomes 0.00156 and 0.00391; ExAC 0.00476; gnomAD 0.01389 and 0.01508; ESP Exome Variant Server 0.01469; 1000 Genomes Project 0.01478; 1000 Genomes Project 30x 0.01608; TOPMed 0.01653.
gnomAD v4.1: 4,512 of 1,613,236 alleles (0.28%); highest among the groups gnomAD compares: African/African-American, 4.5%; 103 homozygotes.

Submissions (2):

Labcorp Genetics (formerly Invitae), Labcorp
Classification: Benign. Last evaluated: 2019-12-31. Review status: criteria provided, single submitter. Criteria: Invitae Variant Classification Sherloc (09022015). Collection method: clinical testing. Allele origin: germline.

PreventionGenetics, part of Exact Sciences
Classification: Benign for ITPR3-related condition. Last evaluated: 2019-11-25. Review status: no assertion criteria provided. Collection method: clinical testing. Allele origin: germline. Not counted in ClinVar's aggregate classification.
Comment: This variant is classified as benign based on ACMG/AMP sequence variant interpretation guidelines (Richards et al. 2015 PMID: 25741868, with internal and published modifications).